The following is an entry in ClinVar:

ClinVar aggregate classification (germline): Conflicting classifications of pathogenicity. Review status: criteria provided, conflicting classifications (1 of 4 stars). 2 submissions from 2 submitters: Uncertain significance (1); Likely benign (1). Last evaluated 2025-10-05.

Conditions:
Hereditary cancer-predisposing syndrome. Also called: Neoplastic Syndromes, Hereditary; Hereditary Cancer Syndrome; Hereditary neoplastic syndrome; Tumor predisposition. Identifiers: Orphanet 140162, MedGen C0027672, MeSH D009386, MONDO:0015356.

Allele frequency attached by ClinVar (database versions not stated): gnomAD exomes below 0.00001.
gnomAD v4.1: 1 of 1,614,130 alleles (0.000062%); highest among the groups gnomAD compares: Non-Finnish European, 0.000085%; no homozygotes.

Submissions (2):

Labcorp Genetics (formerly Invitae), Labcorp
Classification: Uncertain significance. Last evaluated: 2025-10-05. Review status: criteria provided, single submitter. Criteria: Invitae Variant Classification Sherloc (09022015). Collection method: clinical testing. Allele origin: germline.
Comment: This sequence change replaces isoleucine, which is neutral and non-polar, with valine, which is neutral and non-polar, at codon 899 of the POLE protein (p.Ile899Val). This variant is not present in population databases (gnomAD no frequency). This variant has not been reported in the literature in individuals affected with POLE-related conditions. ClinVar contains an entry for this variant (Variation ID: 540736). Invitae Evidence Modeling of protein sequence and biophysical properties (such as structural, functional, and spatial information, amino acid conservation, physicochemical variation, residue mobility, and thermodynamic stability) indicates that this missense variant is not expected to disrupt POLE protein function with a negative predictive value of 80%. In summary, the available evidence is currently insufficient to determine the role of this variant in disease. Therefore, it has been classified as a Variant of Uncertain Significance.

Ambry Genetics
Classification: Likely benign for Hereditary cancer-predisposing syndrome. Last evaluated: 2024-12-23. Review status: criteria provided, single submitter. Criteria: Ambry Variant Classification Scheme 2023. Collection method: clinical testing. Allele origin: germline.

NM_006231.4(POLE):c.2695A>G (p.Ile899Val)

Gene: POLE (DNA polymerase epsilon, catalytic subunit; minus strand). Cytogenetic location: 12q24.33.
Variant type: single nucleotide variant.
Coding change: c.2695A>G on transcript NM_006231.4 (MANE Select); coding-DNA position 2695, A replaced by G.
Protein change: p.Ile899Val; replaces isoleucine 899 with valine.
Molecular consequence: missense variant.
Genome position (GRCh38, 1-based): chr12:132,664,015, T>C on the plus strand (A>G on the coding strand, the complement: POLE is on the minus strand). VCF-style: chr12-132664015-T-C. GRCh37 (hg19) VCF-style: chr12-133240601-T-C.
Other names: c.2695A>G (NM_006231.2); short protein forms I899V.
Identifiers: ClinVar variation 540736 (VCV000540736.10), dbSNP rs1555226418, ClinGen allele CA387394998.